The following is an entry in ClinVar:

ClinVar aggregate classification (germline): Conflicting classifications of pathogenicity. Review status: criteria provided, conflicting classifications (1 of 4 stars). 3 submissions from 3 submitters: Uncertain significance (1); Benign (1); Likely benign (1). Last evaluated 2024-09-06.

Conditions:
Familial adenomatous polyposis 1 (FAP1). Also called: POLYPOSIS, ADENOMATOUS INTESTINAL; FAMILIAL ADENOMATOUS POLYPOSIS 1, ATTENUATED. Identifiers: MedGen C2713442, MONDO:0021056, OMIM 175100. Disease mechanism: loss of function.

Submissions (3):

Labcorp Genetics (formerly Invitae), Labcorp
Classification: Likely benign for Familial adenomatous polyposis 1. Last evaluated: 2024-09-06. Review status: criteria provided, single submitter. Criteria: Invitae Variant Classification Sherloc (09022015). Collection method: clinical testing. Allele origin: germline.

Myriad Genetics, Inc.
Classification: Benign for Familial adenomatous polyposis 1. Last evaluated: 2024-02-23. Review status: criteria provided, single submitter. Criteria: Myriad Autosomal Dominant, Autosomal Recessive and X-Linked Classification Criteria (2023). Collection method: clinical testing. Allele origin: unknown.
Comment: This variant is considered benign. This variant is a silent/synonymous amino acid change and it is not expected to impact splicing.

Genetic Services Laboratory, University of Chicago
Classification: Uncertain significance. Last evaluated: 2020-08-18. Review status: criteria provided, single submitter. Criteria: ACMG Guidelines, 2015. Collection method: clinical testing. Allele origin: germline. Affected: no.

NM_000038.6(APC):c.396A>G (p.Gly132=)

Gene: APC (APC regulator of Wnt signaling pathway; plus strand). Cytogenetic location: 5q22.2.
Variant type: single nucleotide variant.
Coding change: c.396A>G on transcript NM_000038.6 (MANE Select); coding-DNA position 396, A replaced by G.
Protein change: p.Gly132=; no amino-acid change (glycine 132 retained).
Molecular consequence: synonymous variant. On other transcripts: 5 prime UTR variant (1).
Genome position (GRCh38, 1-based): chr5:112,767,364, A>G. VCF-style: chr5-112767364-A-G. GRCh37 (hg19) VCF-style: chr5-112103061-A-G.
Other names: c.396A>G, p.Gly132= (NM_001127510.3, NM_001354895.2, NM_001354896.2 and 2 more transcripts); c.426A>G, p.Gly142= (NM_001127511.3, NM_001354897.2, NM_001354902.2); c.321A>G, p.Gly107= (NM_001354898.2, NM_001354904.2); c.219A>G, p.Gly73= (NM_001354900.2, NM_001354901.2, NM_001354905.2); c.-640A>G (NM_001354906.2).
Identifiers: ClinVar variation 1337718 (VCV001337718.7), dbSNP rs1060504884, ClinGen allele CA445753418.
Genomic context (GRCh38, chr5:112,767,364, plus strand): 5'-TGTTCCTATGGGTTCATTTCCAAGAAGAGGGTTTGTAAATGGAAGCAGAGAAAGTACTGG[A>G]TATTTAGAAGAACTTGAGAAAGAGAGGTAACTTTTCTTCATATAGTAAACATTGCCTTGT-3'
Protein context (NP_000029.2, residues 122-142): GFVNGSREST[Gly132=]YLEELEKERS